The following is an entry in ClinVar:

NM_017617.5(NOTCH1):c.383G>T (p.Arg128Leu)

Gene: NOTCH1 (notch receptor 1; minus strand). Cytogenetic location: 9q34.3.
Variant type: single nucleotide variant.
Coding change: c.383G>T on transcript NM_017617.5 (MANE Select); coding-DNA position 383, G replaced by T.
Protein change: p.Arg128Leu; replaces arginine 128 with leucine.
Molecular consequence: missense variant.
Genome position (GRCh38, 1-based): chr9:136,523,737, C>A on the plus strand (G>T on the coding strand, the complement: NOTCH1 is on the minus strand). VCF-style: chr9-136523737-C-A. GRCh37 (hg19) VCF-style: chr9-139418189-C-A.
Other names: c.383G>T (NM_017617.3); short protein forms R128L.
Identifiers: ClinVar variation 2037213 (VCV002037213.5), dbSNP rs754086897, ClinGen allele CA375572467.
Genomic context (GRCh38, chr9:136,523,737, plus strand): 5'-CTGGGTCTGCCCACCCCTCAGGCTGTGGGTCCTCCCTCACCTGACCAGCCGGGCGGGCAG[C>A]GGCACTTGTACTCCGTCAGCGTGAGCAGGTCGCAGGTGCCCCCGTTGCGGCAGGGGTTGG-3'
Protein context (NP_060087.3, residues 118-138): DLLTLTEYKC[Arg128Leu]CPPGWSGKSC

ClinVar aggregate classification (germline): Conflicting classifications of pathogenicity. Review status: criteria provided, conflicting classifications (1 of 4 stars). 2 submissions from 2 submitters: Uncertain significance (1); Benign (1). Last evaluated 2026-01-25.

Conditions:
Adams-Oliver syndrome 5 (AOS5). Identifiers: Orphanet 974, MedGen C4014970, MONDO:0014459, OMIM 616028.
Familial thoracic aortic aneurysm and aortic dissection (TAAD). Also called: Thoracic aortic aneurysms and dissections. Identifiers: Orphanet 91387, MedGen C4707243, MONDO:0019625.

gnomAD v4.1: 7 of 1,609,064 alleles (0.00044%); highest among the groups gnomAD compares: Admixed American, 0.0067%; no homozygotes.

Submissions (2):

Labcorp Genetics (formerly Invitae), Labcorp
Classification: Benign for Adams-Oliver syndrome 5. Last evaluated: 2026-01-25. Review status: criteria provided, single submitter. Criteria: Invitae Variant Classification Sherloc (09022015). Collection method: clinical testing. Allele origin: germline.

Ambry Genetics
Classification: Uncertain significance for Familial thoracic aortic aneurysm and aortic dissection. Last evaluated: 2025-07-09. Review status: criteria provided, single submitter. Criteria: Ambry Variant Classification Scheme 2023. Collection method: clinical testing. Allele origin: germline.
Comment: The p.R128L variant (also known as c.383G>T), located in coding exon 3 of the NOTCH1 gene, results from a G to T substitution at nucleotide position 383. The arginine at codon 128 is replaced by leucine, an amino acid with dissimilar properties. This variant was reported in a bicuspid aortic valve cohort (Debiec RM et al. Heart, 2022 Jun;108:1114-1120). This amino acid position is not well conserved in available vertebrate species. In addition, this alteration is predicted to be tolerated by in silico analysis. Based on the available evidence, the clinical significance of this variant remains unclear.

Literature cited by the submitters: PubMed 35288444 (cited by Ambry Genetics).